The following is an entry in ClinVar:

ClinVar aggregate classification (germline): Likely benign. Review status: criteria provided, single submitter (1 of 4 stars). 2 submissions from 2 submitters: Likely benign (1). 1 of the submissions does not count toward it. Last evaluated 2024-11-25.

Conditions:
COL4A1-related disorder. Also called: COL4A1-related disorders; COL4A1-related condition. Identifiers: MedGen CN376119, MONDO:0800461.

Submissions (2):

Labcorp Genetics (formerly Invitae), Labcorp
Classification: Likely benign. Last evaluated: 2024-11-25. Review status: criteria provided, single submitter. Criteria: Invitae Variant Classification Sherloc (09022015). Collection method: clinical testing. Allele origin: germline.

PreventionGenetics, part of Exact Sciences
Classification: Likely benign for COL4A1-related condition. Last evaluated: 2023-11-10. Review status: no assertion criteria provided. Collection method: clinical testing. Allele origin: germline. Not counted in ClinVar's aggregate classification.
Comment: This variant is classified as likely benign based on ACMG/AMP sequence variant interpretation guidelines (Richards et al. 2015 PMID: 25741868, with internal and published modifications).

NM_001845.6(COL4A1):c.1425T>C (p.Tyr475=)

Gene: COL4A1 (collagen type IV alpha 1 chain; minus strand). Cytogenetic location: 13q34.
Variant type: single nucleotide variant.
Coding change: c.1425T>C on transcript NM_001845.6 (MANE Select); coding-DNA position 1425, T replaced by C.
Protein change: p.Tyr475=; no amino-acid change (tyrosine 475 retained).
Molecular consequence: synonymous variant.
Genome position (GRCh38, 1-based): chr13:110,192,870, A>G on the plus strand (T>C on the coding strand, the complement: COL4A1 is on the minus strand). VCF-style: chr13-110192870-A-G. GRCh37 (hg19) VCF-style: chr13-110845217-A-G.
Other names: c.1425T>C, p.Tyr475= (NM_001303110.2).
Identifiers: ClinVar variation 762068 (VCV000762068.7), dbSNP rs1594566831, ClinGen allele CA484790669.